The following is an entry in ClinVar:

ClinVar aggregate classification (germline): Uncertain significance (1 of 4 stars; one submission).

Conditions:
Neurofibromatosis, type 1 (NF1). Also called: NEUROFIBROMATOSIS, TYPE I, SOMATIC; VON RECKLINGHAUSEN DISEASE; Peripheral type neurofibromatosis; Neurofibromatosis, type I. Identifiers: Orphanet 636, MedGen C0027831, MONDO:0018975, OMIM 162200. Disease mechanism: loss of function.

Submission:

Labcorp Genetics (formerly Invitae), Labcorp
Classification: Uncertain significance for Neurofibromatosis, type 1. Last evaluated: 2021-12-23. Review status: criteria provided, single submitter. Criteria: Invitae Variant Classification Sherloc (09022015). Collection method: clinical testing. Allele origin: germline.
Comment: This sequence change replaces tryptophan, which is neutral and slightly polar, with cysteine, which is neutral and slightly polar, at codon 1664 of the NF1 protein (p.Trp1664Cys). This variant is not present in population databases (gnomAD no frequency). This variant has not been reported in the literature in individuals affected with NF1-related conditions. Advanced modeling of protein sequence and biophysical properties (such as structural, functional, and spatial information, amino acid conservation, physicochemical variation, residue mobility, and thermodynamic stability) performed at Invitae indicates that this missense variant is expected to disrupt NF1 protein function. In summary, the available evidence is currently insufficient to determine the role of this variant in disease. Therefore, it has been classified as a Variant of Uncertain Significance.

NM_001042492.3(NF1):c.5055G>T (p.Trp1685Cys)

Gene: NF1 (neurofibromin 1; plus strand). Cytogenetic location: 17q11.2.
Variant type: single nucleotide variant.
Coding change: c.5055G>T on transcript NM_001042492.3 (MANE Select); coding-DNA position 5055, G replaced by T.
Protein change: p.Trp1685Cys; replaces tryptophan 1685 with cysteine.
Molecular consequence: missense variant.
Genome position (GRCh38, 1-based): chr17:31,326,039, G>T. VCF-style: chr17-31326039-G-T. GRCh37 (hg19) VCF-style: chr17-29653057-G-T.
Other names: c.4992G>T, p.Trp1664Cys (NM_000267.4); short protein forms W1664C, W1685C.
Identifiers: ClinVar variation 2056127 (VCV002056127.4), dbSNP rs1555533354, ClinGen allele CA399007412.
Genomic context (GRCh38, chr17:31,326,039, plus strand): 5'-TTTTCCTGGCTTTGCTTACGACAACGTCTCCGCAGTCTATATCTATAACTGTAACTCCTG[G>T]GTCAGGGAGTACACCAAGTATCATGAGCGGCTGCTGACTGGCCTCAAAGGTAGCAAAAGG-3'
Protein context (NP_001035957.1, residues 1675-1695): SAVYIYNCNS[Trp1685Cys]VREYTKYHER